The following is an entry in ClinVar:

NM_001206927.2(DNAH8):c.7866G>A (p.Trp2622Ter)

Gene: DNAH8 (dynein axonemal heavy chain 8; plus strand). Cytogenetic location: 6p21.2.
Variant type: single nucleotide variant.
Coding change: c.7866G>A on transcript NM_001206927.2 (MANE Select); coding-DNA position 7866, G replaced by A.
Protein change: p.Trp2622Ter; replaces tryptophan 2622 with a stop codon.
Molecular consequence: nonsense.
Genome position (GRCh38, 1-based): chr6:38,882,917, G>A. VCF-style: chr6-38882917-G-A. GRCh37 (hg19) VCF-style: chr6-38850693-G-A.
Other names: c.7215G>A, p.Trp2405Ter (NM_001371.4); short protein forms W2622*, W2405*.
Identifiers: ClinVar variation 407300 (VCV000407300.10), dbSNP rs766256391, ClinGen allele CA3790040.
Genomic context (GRCh38, chr6:38,882,917, plus strand): 5'-ATAACTTTCACAGAATATGGTTCTATTAAGATGAAATTTTACTTATTATATAGGTGATTG[G>A]GAGCACTGGAATAAGAAACTTCAGCCTTATTATTATCCAACTGACAGTATTCCGGAATAT-3'

ClinVar aggregate classification (germline): Pathogenic/Likely pathogenic. Review status: criteria provided, multiple submitters, no conflicts (2 of 4 stars). 2 submissions from 2 submitters: Pathogenic (1); Likely pathogenic (1). Last evaluated 2024-11-11.

Conditions:
DNAH8-related disorders.
Primary ciliary dyskinesia. Also called: Ciliary dyskinesia. Identifiers: Orphanet 244, MedGen C0008780, MONDO:0016575, HP:0012265.

Allele frequency attached by ClinVar (database versions not stated): gnomAD below 0.00001 and 0.00001; gnomAD exomes 0.00001 and 0.00002; ExAC 0.00003.
gnomAD v4.1: 8 of 1,572,696 alleles (0.00051%); highest among the groups gnomAD compares: South Asian, 0.0086%; no homozygotes.

Submissions (2):

Blueprint Genetics
Classification: Likely pathogenic for DNAH8-related disorders. Last evaluated: 2024-11-11. Review status: criteria provided, single submitter. Criteria: ACMG Guidelines, 2015. Collection method: clinical testing. Allele origin: germline. Affected: yes. Observed: 1 variant allele.

Labcorp Genetics (formerly Invitae), Labcorp
Classification: Pathogenic for Primary ciliary dyskinesia. Last evaluated: 2024-08-28. Review status: criteria provided, single submitter. Criteria: Invitae Variant Classification Sherloc (09022015). Collection method: clinical testing. Allele origin: germline.
Comment: This sequence change creates a premature translational stop signal (p.Trp2622*) in the DNAH8 gene. It is expected to result in an absent or disrupted protein product. Loss-of-function variants in DNAH8 are known to be pathogenic (PMID: 24307375, 32619401, 32681648). This variant is present in population databases (rs766256391, gnomAD 0.02%). This variant has not been reported in the literature in individuals affected with DNAH8-related conditions. ClinVar contains an entry for this variant (Variation ID: 407300). For these reasons, this variant has been classified as Pathogenic.

Literature cited by the submitters: PubMed 24307375 (cited by Labcorp Genetics (formerly Invitae), Labcorp); PubMed 32619401 (cited by Labcorp Genetics (formerly Invitae), Labcorp); PubMed 32681648 (cited by Labcorp Genetics (formerly Invitae), Labcorp).